The following is an entry in ClinVar:

NM_000257.4(MYH7):c.3676C>G (p.Leu1226Val)

Gene: MYH7 (myosin heavy chain 7; minus strand). Cytogenetic location: 14q11.2.
Variant type: single nucleotide variant.
Coding change: c.3676C>G on transcript NM_000257.4 (MANE Select); coding-DNA position 3676, C replaced by G.
Protein change: p.Leu1226Val; replaces leucine 1226 with valine.
Molecular consequence: missense variant.
Genome position (GRCh38, 1-based): chr14:23,419,895, G>C on the plus strand (C>G on the coding strand, the complement: MYH7 is on the minus strand). VCF-style: chr14-23419895-G-C. GRCh37 (hg19) VCF-style: chr14-23889104-G-C.
Other names: c.3676C>G (LRG_384t1); short protein forms L1226V.
Identifiers: ClinVar variation 234775 (VCV000234775.14), dbSNP rs876661211, ClinGen allele CA10577506.
Genomic context (GRCh38, chr14:23,419,895, plus strand): 5'-CAGAGCCTGCCTTGGCCTTGATGATCTGCTCCATGTTGGAGGTGACGTCATCCAGCTCCA[G>C]CTTGAACTCGCTCTTCTCCTTCTCCAGCTTCTGCTTCACCCGCTGCAGGTTGTCGATCTG-3'
Protein context (NP_000248.2, residues 1216-1236): KLEKEKSEFK[Leu1226Val]ELDDVTSNME

ClinVar aggregate classification (germline): Uncertain significance. Review status: criteria provided, multiple submitters, no conflicts (2 of 4 stars). 4 submissions from 4 submitters: Uncertain significance (4). Last evaluated 2025-12-09.

Conditions:
Cardiovascular phenotype. Identifiers: MedGen CN230736.
Hypertrophic cardiomyopathy. Also called: HYPERTROPHIC MYOCARDIOPATHY. Identifiers: Orphanet 217569, MedGen C0007194, MeSH D002312, MONDO:0005045, HP:0001639.

Allele frequency attached by ClinVar (database versions not stated): gnomAD exomes below 0.00001 and 0.00001; TOPMed 0.00001.

Submissions (4):

Labcorp Genetics (formerly Invitae), Labcorp
Classification: Uncertain significance for Hypertrophic cardiomyopathy. Last evaluated: 2025-12-09. Review status: criteria provided, single submitter. Criteria: Invitae Variant Classification Sherloc (09022015). Collection method: clinical testing. Allele origin: germline.
Comment: This sequence change replaces leucine, which is neutral and non-polar, with valine, which is neutral and non-polar, at codon 1226 of the MYH7 protein (p.Leu1226Val). This variant is present in population databases (no rsID available, gnomAD 0.0009%). This variant has not been reported in the literature in individuals affected with MYH7-related conditions. ClinVar contains an entry for this variant (Variation ID: 234775). Invitae Evidence Modeling of protein sequence and biophysical properties (such as structural, functional, and spatial information, amino acid conservation, physicochemical variation, residue mobility, and thermodynamic stability) has been performed for this missense variant. However, the output from this modeling did not meet the statistical confidence thresholds required to predict the impact of this variant on MYH7 protein function. In summary, the available evidence is currently insufficient to determine the role of this variant in disease. Therefore, it has been classified as a Variant of Uncertain Significance.

Molecular Diagnostic Laboratory for Inherited Cardiovascular Disease, Montreal Heart Institute
Classification: Uncertain significance for Cardiovascular phenotype. Last evaluated: 2025-04-08. Review status: criteria provided, single submitter. Criteria: ACMG Guidelines, 2015. Collection method: clinical testing. Allele origin: germline. Affected: yes.
Comment: PM2, PS4_supp

Ambry Genetics
Classification: Uncertain significance for Cardiovascular phenotype. Last evaluated: 2023-10-11. Review status: criteria provided, single submitter. Criteria: Ambry Variant Classification Scheme 2023. Collection method: clinical testing. Allele origin: germline.
Comment: The p.L1226V variant (also known as c.3676C>G), located in coding exon 25 of the MYH7 gene, results from a C to G substitution at nucleotide position 3676. The leucine at codon 1226 is replaced by valine, an amino acid with highly similar properties. This variant has been detected in a dilated cardiomyopathy cohort; however, details were limited (Halliday BP et al. Lancet, 2019 Jan;393:61-73). This amino acid position is well conserved in available vertebrate species. In addition, this alteration is predicted to be tolerated by in silico analysis. Since supporting evidence is limited at this time, the clinical significance of this alteration remains unclear.

GeneDx
Classification: Uncertain significance. Last evaluated: 2018-12-03. Review status: criteria provided, single submitter. Criteria: GeneDx Variant Classification (06012015). Collection method: clinical testing. Allele origin: germline. Affected: yes.
Comment: The L1226V variant has not been published as a pathogenic variant, nor has it been reported as a benign variant to our knowledge. This variant was not observed in approximately 6,500 individuals of European and African American ancestry in the NHLBI Exome Sequencing Project, indicating it is not a common benign variant in these populations. This substitution occurs at a position where only amino acids with similar properties to Leucine are tolerated across species. However, the L1226V variant is a conservative amino acid substitution, which is not likely to impact secondary protein structure as these residues share similar properties. Furthermore, in silico analysis is inconsistent in its predictions as to whether or not the variant is damaging to the protein structure/function. Therefore, based on the currently available information, it is unclear whether this variant is pathogenic or benign.

Literature cited by the submitters: PubMed 30429050 (cited by Ambry Genetics).